The following is an entry in ClinVar:

NM_001943.5(DSG2):c.2411C>G (p.Thr804Ser)

Genes: DSG2 (desmoglein 2; plus strand), DSG2-AS1 (DSG2 antisense RNA 1; minus strand). Cytogenetic location: 18q12.1.
Variant type: single nucleotide variant.
Coding change: c.2411C>G on transcript NM_001943.5 (MANE Select); coding-DNA position 2411, C replaced by G.
Protein change: p.Thr804Ser; replaces threonine 804 with serine.
Molecular consequence: missense variant. On other transcripts: non-coding transcript variant (1).
Genome position (GRCh38, 1-based): chr18:31,545,797, C>G. VCF-style: chr18-31545797-C-G. GRCh37 (hg19) VCF-style: chr18-29125760-C-G.
Other names: short protein forms T804S.
Identifiers: ClinVar variation 2111186 (VCV002111186.4), dbSNP rs2073301177, ClinGen allele CA402144537.
Genomic context (GRCh38, chr18:31,545,797, plus strand): 5'-CTGAGGAAGATGAAAATCACACAGCCAAAGATTGCCTTCTGGTTTATTCTCAGGAAGAAA[C>G]TGAATCGCTGAATGCTTCTATTGGTTGTTGCAGTTTTATTGAAGGAGAGCTAGATGACCG-3'
Protein context (NP_001934.2, residues 794-814): DCLLVYSQEE[Thr804Ser]ESLNASIGCC

ClinVar aggregate classification (germline): Uncertain significance (1 of 4 stars; one submission).

Conditions:
Arrhythmogenic right ventricular dysplasia 10. Also called: Arrhythmogenic Right Ventricular Dysplasia/Cardiomyopathy10; ARRHYTHMOGENIC RIGHT VENTRICULAR DYSPLASIA, FAMILIAL, 10; Arrhythmogenic right ventricular dysplasia/cardiomyopathy, type 10. Identifiers: MedGen C1857777, MONDO:0012434, OMIM 610193.

Allele frequency attached by ClinVar (database versions not stated): TOPMed below 0.00001.

Submission:

Labcorp Genetics (formerly Invitae), Labcorp
Classification: Uncertain significance for Arrhythmogenic right ventricular dysplasia 10. Last evaluated: 2022-03-13. Review status: criteria provided, single submitter. Criteria: Invitae Variant Classification Sherloc (09022015). Collection method: clinical testing. Allele origin: germline.
Comment: In summary, the available evidence is currently insufficient to determine the role of this variant in disease. Therefore, it has been classified as a Variant of Uncertain Significance. Algorithms developed to predict the effect of missense changes on protein structure and function (SIFT, PolyPhen-2, Align-GVGD) all suggest that this variant is likely to be tolerated. This variant has not been reported in the literature in individuals affected with DSG2-related conditions. This variant is not present in population databases (gnomAD no frequency). This sequence change replaces threonine, which is neutral and polar, with serine, which is neutral and polar, at codon 804 of the DSG2 protein (p.Thr804Ser).